The following is an entry in ClinVar:

NM_004852.3(ONECUT2):c.156C>G (p.Gly52=)

Gene: ONECUT2 (one cut homeobox 2; plus strand). Cytogenetic location: 18q21.31.
Variant type: single nucleotide variant.
Coding change: c.156C>G on transcript NM_004852.3 (MANE Select); coding-DNA position 156, C replaced by G.
Protein change: p.Gly52=; no amino-acid change (glycine 52 retained).
Molecular consequence: synonymous variant.
Genome position (GRCh38, 1-based): chr18:57,435,872, C>G. VCF-style: chr18-57435872-C-G. GRCh37 (hg19) VCF-style: chr18-55103104-C-G.
Identifiers: ClinVar variation 3771421 (VCV003771421.13).

ClinVar aggregate classification (germline): Likely benign (1 of 4 stars; one submission).

Submission:

CeGaT Center for Human Genetics Tuebingen
Classification: Likely benign. Last evaluated: 2025-01-01. Review status: criteria provided, single submitter. Criteria: CeGaT Center For Human Genetics Tuebingen Variant Classification Criteria Version 2. Collection method: clinical testing. Allele origin: germline. Affected: yes. Observed: 1 variant allele.
Comment: ONECUT2: BP4, BP7